The following is an entry in ClinVar:

NM_000548.5(TSC2):c.1529A>G (p.Gln510Arg)

Gene: TSC2 (TSC complex subunit 2; plus strand). Cytogenetic location: 16p13.3.
Variant type: single nucleotide variant.
Coding change: c.1529A>G on transcript NM_000548.5 (MANE Select); coding-DNA position 1529, A replaced by G.
Protein change: p.Gln510Arg; replaces glutamine 510 with arginine.
Molecular consequence: missense variant.
Genome position (GRCh38, 1-based): chr16:2,064,357, A>G. VCF-style: chr16-2064357-A-G. GRCh37 (hg19) VCF-style: chr16-2114358-A-G.
Other names: c.1529A>G, p.Gln510Arg (NM_001077183.3, NM_001114382.3, NM_001363528.2 and 3 more transcripts); c.1418A>G, p.Gln473Arg (NM_001318827.2); c.1382A>G, p.Gln461Arg (NM_001318829.2); c.929A>G, p.Gln310Arg (NM_001318831.2); c.1562A>G, p.Gln521Arg (NM_001318832.2); short protein forms Q310R, Q461R, Q473R, Q510R, Q521R.
Identifiers: ClinVar variation 819461 (VCV000819461.14), dbSNP rs1596312182, ClinGen allele CA394326277.

ClinVar aggregate classification (germline): Uncertain significance. Review status: criteria provided, multiple submitters, no conflicts (2 of 4 stars). 3 submissions from 3 submitters: Uncertain significance (3). Last evaluated 2025-11-05.

Conditions:
Tuberous sclerosis syndrome (TSC). Also called: Tuberous Sclerosis Complex; Tuberous sclerosis. Identifiers: Orphanet 805, MedGen C0041341, MONDO:0001734.
Tuberous sclerosis 2 (TSC2). Identifiers: Orphanet 805, MedGen C1860707, MONDO:0013199, OMIM 613254.
Hereditary cancer-predisposing syndrome. Also called: Hereditary Cancer Syndrome; Neoplastic Syndromes, Hereditary; Hereditary neoplastic syndrome; Tumor predisposition. Identifiers: Orphanet 140162, MedGen C0027672, MeSH D009386, MONDO:0015356.

Submissions (3):

Ambry Genetics
Classification: Uncertain significance for Hereditary cancer-predisposing syndrome. Last evaluated: 2025-11-05. Review status: criteria provided, single submitter. Criteria: Ambry Variant Classification Scheme 2023. Collection method: clinical testing. Allele origin: germline.
Comment: The p.Q510R variant (also known as c.1529A>G), located in coding exon 14 of the TSC2 gene, results from an A to G substitution at nucleotide position 1529. The glutamine at codon 510 is replaced by arginine, an amino acid with highly similar properties. This amino acid position is highly conserved in available vertebrate species. In addition, this alteration is predicted to be deleterious by in silico analysis. Since supporting evidence is limited at this time, the clinical significance of this alteration remains unclear.

Color Diagnostics, LLC DBA Color Health
Classification: Uncertain significance for Tuberous sclerosis syndrome. Last evaluated: 2025-10-07. Review status: criteria provided, single submitter. Criteria: ACMG Guidelines, 2015. Collection method: clinical testing. Allele origin: germline.
Comment: This missense variant replaces glutamine with arginine at codon 510 of the TSC2 protein. Computational prediction is inconclusive regarding the impact of this variant on protein structure and function. To our knowledge, functional studies have not been reported for this variant. This variant has not been reported in individuals affected with TSC2-related disorders in the literature. This variant has not been identified in the general population by the Genome Aggregation Database (gnomAD). The available evidence is insufficient to determine the role of this variant in disease conclusively. Therefore, this variant is classified as a Variant of Uncertain Significance.

Labcorp Genetics (formerly Invitae), Labcorp
Classification: Uncertain significance for Tuberous sclerosis 2. Last evaluated: 2024-05-08. Review status: criteria provided, single submitter. Criteria: Invitae Variant Classification Sherloc (09022015). Collection method: clinical testing. Allele origin: germline.
Comment: This sequence change replaces glutamine, which is neutral and polar, with arginine, which is basic and polar, at codon 510 of the TSC2 protein (p.Gln510Arg). This variant is not present in population databases (gnomAD no frequency). This variant has not been reported in the literature in individuals affected with TSC2-related conditions. ClinVar contains an entry for this variant (Variation ID: 819461). Advanced modeling of protein sequence and biophysical properties (such as structural, functional, and spatial information, amino acid conservation, physicochemical variation, residue mobility, and thermodynamic stability) performed at Invitae indicates that this missense variant is not expected to disrupt TSC2 protein function with a negative predictive value of 95%. In summary, the available evidence is currently insufficient to determine the role of this variant in disease. Therefore, it has been classified as a Variant of Uncertain Significance.